The following is an entry in ClinVar:

ClinVar aggregate classification (germline): Uncertain significance (1 of 4 stars; one submission).

Conditions:
Inborn genetic diseases. Identifiers: MedGen C0950123, MeSH D030342.

gnomAD v4.1: 1 of 1,605,026 alleles (0.000062%); highest among the groups gnomAD compares: Non-Finnish European, 0.000085%; no homozygotes.

Submission:

Ambry Genetics
Classification: Uncertain significance for Inborn genetic diseases. Last evaluated: 2025-05-04. Review status: criteria provided, single submitter. Criteria: Ambry Variant Classification Scheme 2023. Collection method: clinical testing. Allele origin: germline.
Comment: The p.A196P variant (also known as c.586G>C), located in coding exon 3 of the ERCC6L2 gene, results from a G to C substitution at nucleotide position 586. The alanine at codon 196 is replaced by proline, an amino acid with highly similar properties. This amino acid position is conserved. In addition, this alteration is predicted to be tolerated by in silico analysis. Based on the available evidence, the clinical significance of this variant remains unclear.

NM_020207.7(ERCC6L2):c.586G>C (p.Ala196Pro)

Gene: ERCC6L2 (ERCC excision repair 6 like 2; plus strand). Cytogenetic location: 9q22.32.
Variant type: single nucleotide variant.
Coding change: c.586G>C on transcript NM_020207.7 (MANE Select); coding-DNA position 586, G replaced by C.
Protein change: p.Ala196Pro; replaces alanine 196 with proline.
Molecular consequence: missense variant. On other transcripts: non-coding transcript variant (1).
Genome position (GRCh38, 1-based): chr9:95,897,963, G>C. VCF-style: chr9-95897963-G-C. GRCh37 (hg19) VCF-style: chr9-98660245-G-C.
Other names: c.586G>C, p.Ala196Pro (NM_001010895.4, NM_001375291.1, NM_001375292.1 and 2 more transcripts); short protein forms A196P.
Identifiers: ClinVar variation 4019339 (VCV004019339.1).